The following is an entry in ClinVar:

NM_000352.6(ABCC8):c.134C>T (p.Pro45Leu)

Gene: ABCC8 (ATP binding cassette subfamily C member 8; minus strand). Cytogenetic location: 11p15.1.
Variant type: single nucleotide variant.
Coding change: c.134C>T on transcript NM_000352.6 (MANE Select); coding-DNA position 134, C replaced by T.
Protein change: p.Pro45Leu; replaces proline 45 with leucine.
Molecular consequence: missense variant. On other transcripts: non-coding transcript variant (1).
Genome position (GRCh38, 1-based): chr11:17,476,643, G>A on the plus strand (C>T on the coding strand, the complement: ABCC8 is on the minus strand). VCF-style: chr11-17476643-G-A. GRCh37 (hg19) VCF-style: chr11-17498190-G-A.
Other names: ABCC8, 134C-T, PRO45LEU; c.134C>T, p.Pro45Leu (NM_001287174.3, NM_001351295.2, NM_001351296.2 and 1 more transcripts); short protein forms P45L.
Identifiers: ClinVar variation 9110 (VCV000009110.5), dbSNP rs267606623, ClinGen allele CA254640.

ClinVar aggregate classification (germline): Uncertain significance. Review status: criteria provided, single submitter (1 of 4 stars). 2 submissions from 2 submitters: Uncertain significance (1). 1 of the submissions does not count toward it. Last evaluated 2022-10-13.

Conditions:
Diabetes mellitus, permanent neonatal 3. Also called: ABCC8-Related Permanent Neonatal Diabetes Mellitus. Identifiers: MedGen C5394303, MONDO:0030088, OMIM 618857.

Allele frequency attached by ClinVar (database versions not stated): gnomAD 0.00001.
gnomAD v4.1: 3 of 1,612,246 alleles (0.00019%); highest among the groups gnomAD compares: Non-Finnish European, 0.00025%; no homozygotes.

Submissions (2):

Labcorp Genetics (formerly Invitae), Labcorp
Classification: Uncertain significance. Last evaluated: 2022-10-13. Review status: criteria provided, single submitter. Criteria: Invitae Variant Classification Sherloc (09022015). Collection method: clinical testing. Allele origin: germline.
Comment: This sequence change replaces proline, which is neutral and non-polar, with leucine, which is neutral and non-polar, at codon 45 of the ABCC8 protein (p.Pro45Leu). This variant is not present in population databases (gnomAD no frequency). This missense change has been observed in individual(s) with permanent neonatal diabetes mellitus (PMID: 17668386, 18025408, 25972930). ClinVar contains an entry for this variant (Variation ID: 9110). Advanced modeling of protein sequence and biophysical properties (such as structural, functional, and spatial information, amino acid conservation, physicochemical variation, residue mobility, and thermodynamic stability) performed at Invitae indicates that this missense variant is expected to disrupt ABCC8 protein function. In summary, the available evidence is currently insufficient to determine the role of this variant in disease. Therefore, it has been classified as a Variant of Uncertain Significance.

OMIM
Classification: Pathogenic for DIABETES MELLITUS, PERMANENT NEONATAL, 3. Last evaluated: 2007-08-01. Review status: no assertion criteria provided. Collection method: literature only. Allele origin: germline. Not counted in ClinVar's aggregate classification.

Literature cited by the submitters: PubMed 17668386 (cited by Labcorp Genetics (formerly Invitae), Labcorp and OMIM); PubMed 18025408 (cited by Labcorp Genetics (formerly Invitae), Labcorp); PubMed 25972930 (cited by Labcorp Genetics (formerly Invitae), Labcorp).